The following is an entry in ClinVar:

NM_005159.5(ACTC1):c.1108T>C (p.Ser370Pro)

Genes: ACTC1 (actin alpha cardiac muscle 1; minus strand), GJD2-DT (GJD2 divergent transcript; plus strand). Cytogenetic location: 15q14.
Variant type: single nucleotide variant.
Coding change: c.1108T>C on transcript NM_005159.5 (MANE Select); coding-DNA position 1108, T replaced by C.
Protein change: p.Ser370Pro; replaces serine 370 with proline.
Molecular consequence: missense variant.
Genome position (GRCh38, 1-based): chr15:34,790,438, A>G on the plus strand (T>C on the coding strand, the complement: ACTC1 is on the minus strand). VCF-style: chr15-34790438-A-G. GRCh37 (hg19) VCF-style: chr15-35082639-A-G.
Other names: c.1108T>C, p.Ser370Pro (NM_001406482.1, NM_001406483.1); c.973T>C, p.Ser325Pro (NM_001406484.1); c.667T>C, p.Ser223Pro (NM_001406485.1); short protein forms S223P, S325P, S370P.
Identifiers: ClinVar variation 3224598 (VCV003224598.1), dbSNP rs2504175894, ClinGen allele CA391628590.

ClinVar aggregate classification (germline): Uncertain significance (1 of 4 stars; one submission).

Conditions:
Cardiovascular phenotype. Identifiers: MedGen CN230736.

Submission:

Ambry Genetics
Classification: Uncertain significance for Cardiovascular phenotype. Last evaluated: 2024-03-14. Review status: criteria provided, single submitter. Criteria: Ambry Variant Classification Scheme 2023. Collection method: clinical testing. Allele origin: germline.
Comment: The p.S370P variant (also known as c.1108T>C), located in coding exon 6 of the ACTC1 gene, results from a T to C substitution at nucleotide position 1108. The serine at codon 370 is replaced by proline, an amino acid with similar properties. This amino acid position is conserved. In addition, this alteration is predicted to be deleterious by in silico analysis. Based on the available evidence, the clinical significance of this alteration remains unclear.